The following is an entry in ClinVar:

NM_005006.7(NDUFS1):c.363del (p.Ala122fs)

Gene: NDUFS1 (NADH:ubiquinone oxidoreductase core subunit S1; minus strand). Cytogenetic location: 2q33.3.
Variant type: Deletion.
Coding change: c.363del on transcript NM_005006.7 (MANE Select); coding-DNA position 363, one base deleted (A; older notation c.363delA).
Protein change: p.Ala122fs; shifts the reading frame from alanine 122.
Molecular consequence: frameshift variant.
Genome position (GRCh38, 1-based): chr2:206,147,810, T deleted on the plus strand (A on the coding strand, the reverse complement: NDUFS1 is on the minus strand). VCF-style (leftmost placement, unchanged base first): chr2-206147809-CT-C. GRCh37 (hg19) VCF-style: chr2-207012533-CT-C.
Other names: c.255del, p.Ala86fs (NM_001199981.2); c.30del, p.Ala11fs (NM_001199982.2); c.192del, p.Ala65fs (NM_001199983.2); c.405del, p.Ala136fs (NM_001199984.2); short protein forms A136fs, A65fs, A11fs, A86fs, A122fs.
Identifiers: ClinVar variation 5006197 (VCV005006197.2).

ClinVar aggregate classification (germline): Likely pathogenic (1 of 4 stars; one submission).

Conditions:
Mitochondrial complex I deficiency, nuclear type 5. Also called: Mitochondrial complex 1 deficiency, nuclear type 5. Identifiers: MedGen C4748754, MONDO:0032610, OMIM 618226.

Submission:

Juno Genomics, Hangzhou Juno Genomics, Inc
Classification: Likely pathogenic for Mitochondrial complex I deficiency, nuclear type 5. Review status: criteria provided, single submitter. Criteria: ACMG Guidelines, 2015. Collection method: clinical testing. Allele origin: germline.
Comment: Null variant in a gene where loss of function (LOF) is a known mechanism of disease.;Absent from controls (or at extremely low frequency if recessive) in Genome Aggregation Database.